The following is an entry in ClinVar:

NM_001909.5(CTSD):c.445G>A (p.Gly149Arg)

Gene: CTSD (cathepsin D; minus strand). Cytogenetic location: 11p15.5.
Variant type: single nucleotide variant.
Coding change: c.445G>A on transcript NM_001909.5 (MANE Select); coding-DNA position 445, G replaced by A.
Protein change: p.Gly149Arg; replaces glycine 149 with arginine.
Molecular consequence: missense variant.
Genome position (GRCh38, 1-based): chr11:1,758,995, C>T on the plus strand (G>A on the coding strand, the complement: CTSD is on the minus strand). VCF-style: chr11-1758995-C-T. GRCh37 (hg19) VCF-style: chr11-1780225-C-T.
Other names: short protein forms G149R.
Identifiers: ClinVar variation 1439238 (VCV001439238.4), dbSNP rs762336399, ClinGen allele CA5814175.

ClinVar aggregate classification (germline): Uncertain significance (1 of 4 stars; one submission).

Conditions:
Neuronal ceroid lipofuscinosis. Also called: Neuronal Ceroid Lipofuscinoses. Identifiers: Orphanet 216, Orphanet 79263, MedGen C0027877, MONDO:0016295. Disease mechanism: loss of function.

Allele frequency attached by ClinVar (database versions not stated): gnomAD exomes below 0.00001; ExAC 0.00001.
gnomAD v4.1: 2 of 1,613,662 alleles (0.00012%); highest among the groups gnomAD compares: Non-Finnish European, 0.00017%; no homozygotes.

Submission:

Labcorp Genetics (formerly Invitae), Labcorp
Classification: Uncertain significance for Neuronal ceroid lipofuscinosis. Last evaluated: 2025-04-16. Review status: criteria provided, single submitter. Criteria: Invitae Variant Classification Sherloc (09022015). Collection method: clinical testing. Allele origin: germline.
Comment: This sequence change replaces glycine, which is neutral and non-polar, with arginine, which is basic and polar, at codon 149 of the CTSD protein (p.Gly149Arg). This variant is present in population databases (rs762336399, gnomAD 0.0009%). This variant has not been reported in the literature in individuals affected with CTSD-related conditions. ClinVar contains an entry for this variant (Variation ID: 1439238). Invitae Evidence Modeling of protein sequence and biophysical properties (such as structural, functional, and spatial information, amino acid conservation, physicochemical variation, residue mobility, and thermodynamic stability) indicates that this missense variant is expected to disrupt CTSD protein function with a positive predictive value of 80%. Algorithms developed to predict the effect of sequence changes on RNA splicing suggest that this variant may create or strengthen a splice site. In summary, the available evidence is currently insufficient to determine the role of this variant in disease. Therefore, it has been classified as a Variant of Uncertain Significance.